The following is an entry in ClinVar:

ClinVar aggregate classification (germline): Uncertain significance (1 of 4 stars; one submission).

Conditions:
Schimke immuno-osseous dysplasia (SIOD). Also called: Schimke Immunoosseous Dysplasia. Identifiers: Orphanet 1830, MedGen C0877024, MONDO:0009458, OMIM 242900.

Allele frequency attached by ClinVar (database versions not stated): gnomAD exomes below 0.00001; TOPMed below 0.00001; gnomAD 0.00001.
gnomAD v4.1: 2 of 1,614,090 alleles (0.00012%); highest among the groups gnomAD compares: Non-Finnish European, 0.00017%; no homozygotes.

Submission:

Labcorp Genetics (formerly Invitae), Labcorp
Classification: Uncertain significance for Schimke immuno-osseous dysplasia. Last evaluated: 2021-09-01. Review status: criteria provided, single submitter. Criteria: Invitae Variant Classification Sherloc (09022015). Collection method: clinical testing. Allele origin: germline.
Comment: This sequence change replaces phenylalanine with serine at codon 343 of the SMARCAL1 protein (p.Phe343Ser). The phenylalanine residue is moderately conserved and there is a large physicochemical difference between phenylalanine and serine. This variant is not present in population databases (ExAC no frequency). This variant has not been reported in the literature in individuals affected with SMARCAL1-related conditions. Algorithms developed to predict the effect of missense changes on protein structure and function are either unavailable or do not agree on the potential impact of this missense change (SIFT: "Deleterious"; PolyPhen-2: "Probably Damaging"; Align-GVGD: "Class C0"). In summary, the available evidence is currently insufficient to determine the role of this variant in disease. Therefore, it has been classified as a Variant of Uncertain Significance.

NM_014140.4(SMARCAL1):c.1028T>C (p.Phe343Ser)

Gene: SMARCAL1 (SNF2 related chromatin remodeling annealing helicase 1; plus strand). Cytogenetic location: 2q35.
Variant type: single nucleotide variant.
Coding change: c.1028T>C on transcript NM_014140.4 (MANE Select); coding-DNA position 1028, T replaced by C.
Protein change: p.Phe343Ser; replaces phenylalanine 343 with serine.
Molecular consequence: missense variant.
Genome position (GRCh38, 1-based): chr2:216,420,464, T>C. VCF-style: chr2-216420464-T-C. GRCh37 (hg19) VCF-style: chr2-217285187-T-C.
Other names: c.1028T>C, p.Phe343Ser (NM_001127207.2); short protein forms F343S.
Identifiers: ClinVar variation 1480211 (VCV001480211.5), dbSNP rs1403239152, ClinGen allele CA350498597.